The following is an entry in ClinVar:

NM_004360.5(CDH1):c.692del (p.Phe231fs)

Gene: CDH1 (cadherin 1; plus strand). Cytogenetic location: 16q22.1.
Variant type: Deletion.
Coding change: c.692del on transcript NM_004360.5 (MANE Select); coding-DNA position 692, one base deleted (T; older notation c.692delT).
Protein change: p.Phe231fs; shifts the reading frame from phenylalanine 231.
Molecular consequence: frameshift variant. On other transcripts: 5 prime UTR variant (2).
Genome position (GRCh38, 1-based): chr16:68,810,201, T deleted; the last of 2 consecutive T bases (chr16:68,810,200-68,810,201); deleting either gives the same sequence. VCF-style (leftmost placement, unchanged base first): chr16-68810199-CT-C. GRCh37 (hg19) VCF-style: chr16-68844102-CT-C.
Other names: c.692del, p.Phe231fs (NM_001317184.2); c.-924del (NM_001317185.2); c.-1128del (NM_001317186.2); short protein forms F231fs.
Identifiers: ClinVar variation 2453316 (VCV002453316.3), dbSNP rs2543918663, ClinGen allele CA2580091952.

ClinVar aggregate classification (germline): Pathogenic. Review status: criteria provided, multiple submitters, no conflicts (2 of 4 stars). 2 submissions from 2 submitters: Pathogenic (2). Last evaluated 2026-11-13.

Conditions:
Hereditary cancer-predisposing syndrome. Also called: Neoplastic Syndromes, Hereditary; Tumor predisposition; Hereditary neoplastic syndrome; Hereditary Cancer Syndrome. Identifiers: Orphanet 140162, MedGen C0027672, MeSH D009386, MONDO:0015356.
Invasive lobular breast carcinoma. Identifiers: MedGen C0279565, MONDO:0005051.

Submissions (2):

Clinical Genetics Laboratory, Skane University Hospital Lund
Classification: Pathogenic for Invasive lobular breast carcinoma. Last evaluated: 2026-11-13. Review status: criteria provided, single submitter. Criteria: ACMG Guidelines, 2015. Collection method: clinical testing. Allele origin: germline. Affected: yes. Observed: 1 variant allele.
Comment: CDH1 (NM_004360.5) c.692del, p.(Phe231Serfs*19) involves a 1-base pair deletion in exon 6 (of 16), which leads to a frameshift and a premature stop codon, resulting in a truncated protein or a loss of protein expression from the allele. CDH1 c.692del has not been observed in the general population and is classified as pathogenic in the ClinVar database (Accession: VCV002453316.2). The variant has been classified as pathogenic based on the following criteria according to the ClinGen CDH1 Expert Panel Specifications to the ACMG/AMP Variant Interpretation Guidelines, Version 3.1: PVS1, PM2_supporting, and PM5_supporting.

Ambry Genetics
Classification: Pathogenic for Hereditary cancer-predisposing syndrome. Last evaluated: 2022-11-23. Review status: criteria provided, single submitter. Criteria: Ambry Variant Classification Scheme 2023. Collection method: clinical testing. Allele origin: germline.
Comment: The c.692delT pathogenic mutation, located in coding exon 6 of the CDH1 gene, results from a deletion of one nucleotide at nucleotide position 692, causing a translational frameshift with a predicted alternate stop codon (p.F231Sfs*19). This alteration has been observed in at least one individual with a personal and/or family history that is consistent with CDH1-related disease (Ambry internal data). This variant is considered to be rare based on population cohorts in the Genome Aggregation Database (gnomAD). This alteration is expected to result in loss of function by premature protein truncation or nonsense-mediated mRNA decay. As such, this alteration is interpreted as a disease-causing mutation.